The following is an entry in ClinVar:

NM_138694.4(PKHD1):c.2005C>G (p.Arg669Gly)

Gene: PKHD1 (PKHD1 ciliary IPT domain containing fibrocystin/polyductin; minus strand). Cytogenetic location: 6p12.2.
Variant type: single nucleotide variant.
Coding change: c.2005C>G on transcript NM_138694.4 (MANE Select); coding-DNA position 2005, C replaced by G.
Protein change: p.Arg669Gly; replaces arginine 669 with glycine.
Molecular consequence: missense variant.
Genome position (GRCh38, 1-based): chr6:52,053,211, G>C on the plus strand (C>G on the coding strand, the complement: PKHD1 is on the minus strand). VCF-style: chr6-52053211-G-C. GRCh37 (hg19) VCF-style: chr6-51918009-G-C.
Other names: c.2005C>G, p.Arg669Gly (NM_170724.3); short protein forms R669G.
Identifiers: ClinVar variation 596960 (VCV000596960.13), dbSNP rs375547868, ClinGen allele CA138969453.

ClinVar aggregate classification (germline): Uncertain significance. Review status: criteria provided, multiple submitters, no conflicts (2 of 4 stars). 4 submissions from 4 submitters: Uncertain significance (3). 1 of the submissions does not count toward it. Last evaluated 2025-04-18.

Conditions:
PKHD1-related disorder. Also called: PKHD1-related condition.
Autosomal recessive polycystic kidney disease (ARPKD). Also called: AR polycystic kidney disease. Identifiers: Orphanet 731, Orphanet 8378, MedGen C0085548, MeSH D017044, MONDO:0009889.

Allele frequency attached by ClinVar (database versions not stated): TOPMed 0.00004.
gnomAD v4.1: 46 of 1,614,066 alleles (0.0028%); highest among the groups gnomAD compares: Non-Finnish European, 0.0039%; no homozygotes.

Submissions (4):

PreventionGenetics, part of Exact Sciences
Classification: Uncertain significance for PKHD1-related condition. Last evaluated: 2025-04-18. Review status: criteria provided, single submitter. Criteria: ACMG Guidelines, 2015. Collection method: clinical testing. Allele origin: germline.
Comment: The PKHD1 c.2005C>G variant is predicted to result in the amino acid substitution p.Arg669Gly. To our knowledge, this variant has not been reported in the literature. This variant is reported in 0.00088% of alleles in individuals of European (Non-Finnish) descent in gnomAD. At this time, the clinical significance of this variant is uncertain due to the absence of conclusive functional and genetic evidence.

Labcorp Genetics (formerly Invitae), Labcorp
Classification: Uncertain significance for Autosomal recessive polycystic kidney disease. Last evaluated: 2021-08-30. Review status: criteria provided, single submitter. Criteria: Invitae Variant Classification Sherloc (09022015). Collection method: clinical testing. Allele origin: germline.
Comment: This sequence change replaces arginine with glycine at codon 669 of the PKHD1 protein (p.Arg669Gly). The arginine residue is weakly conserved and there is a moderate physicochemical difference between arginine and glycine. This variant is not present in population databases (ExAC no frequency). This variant has not been reported in the literature in individuals affected with PKHD1-related conditions. ClinVar contains an entry for this variant (Variation ID: 596960). Algorithms developed to predict the effect of missense changes on protein structure and function (SIFT, PolyPhen-2, Align-GVGD) all suggest that this variant is likely to be tolerated. In summary, the available evidence is currently insufficient to determine the role of this variant in disease. Therefore, it has been classified as a Variant of Uncertain Significance.

Eurofins Ntd Llc (ga)
Classification: Uncertain significance. Last evaluated: 2018-04-20. Review status: criteria provided, single submitter. Criteria: EGL ClinVar v180209 classification definitions. Collection method: clinical testing. Allele origin: germline. Observed: 1 variant allele, 1 heterozygote.

Natera, Inc.
Classification: Uncertain significance for Autosomal recessive polycystic kidney disease. Last evaluated: 2018-05-26. Review status: no assertion criteria provided. Collection method: clinical testing. Allele origin: germline. Not counted in ClinVar's aggregate classification.